The following is an entry in ClinVar:

NM_000432.4(MYL2):c.298C>G (p.Leu100Val)

Gene: MYL2 (myosin light chain 2; minus strand). Cytogenetic location: 12q24.11.
Variant type: single nucleotide variant.
Coding change: c.298C>G on transcript NM_000432.4 (MANE Select); coding-DNA position 298, C replaced by G.
Protein change: p.Leu100Val; replaces leucine 100 with valine.
Molecular consequence: missense variant.
Genome position (GRCh38, 1-based): chr12:110,913,301, G>C on the plus strand (C>G on the coding strand, the complement: MYL2 is on the minus strand). VCF-style: chr12-110913301-G-C. GRCh37 (hg19) VCF-style: chr12-111351105-G-C.
Other names: short protein forms L100V.
Identifiers: ClinVar variation 926068 (VCV000926068.13), dbSNP rs573898913, ClinGen allele CA041438.

ClinVar aggregate classification (germline): Conflicting classifications of pathogenicity. Review status: criteria provided, conflicting classifications (1 of 4 stars). 3 submissions from 3 submitters: Uncertain significance (2); Likely benign (1). Last evaluated 2025-11-17.

Conditions:
Hypertrophic cardiomyopathy 10. Also called: MYL2-Related Familial Hypertrophic Cardiomyopathy; CARDIOMYOPATHY, HYPERTROPHIC, MID-LEFT VENTRICULAR CHAMBER TYPE, 2. Identifiers: MedGen C1834460, MONDO:0012112, OMIM 608758.
Cardiomyopathy (CMYO). Also called: Cardiomyopathies. Identifiers: Orphanet 167848, MedGen C0878544, MONDO:0004994, HP:0001638. Inheritance: Various modes of inheritance.
Hypertrophic cardiomyopathy. Also called: HYPERTROPHIC MYOCARDIOPATHY. Identifiers: Orphanet 217569, MedGen C0007194, MeSH D002312, MONDO:0005045, HP:0001639.

Allele frequency attached by ClinVar (database versions not stated): TOPMed below 0.00001; 1000 Genomes Project 30x 0.00031; gnomAD below 0.00001 and 0.00001; gnomAD exomes 0.00001 and 0.00003; ExAC 0.00004; 1000 Genomes Project 0.00020.
gnomAD v4.1: 20 of 1,614,214 alleles (0.0012%); highest among the groups gnomAD compares: South Asian, 0.022%; no homozygotes.

Submissions (3):

Color Diagnostics, LLC DBA Color Health
Classification: Uncertain significance for Cardiomyopathy. Last evaluated: 2025-11-17. Review status: criteria provided, single submitter. Criteria: ACMG Guidelines, 2015. Collection method: clinical testing. Allele origin: germline.
Comment: This missense variant replaces leucine with valine at codon 100 of the MYL2 protein. Computational prediction is inconclusive regarding the impact of this variant on protein structure and function. To our knowledge, functional studies have not been reported for this variant. This variant has not been reported in individuals affected with MYL2-related disorders in the literature. This variant has been identified in 7/251490 chromosomes in the general population by the Genome Aggregation Database (gnomAD). The available evidence is insufficient to determine the role of this variant in disease conclusively. Therefore, this variant is classified as a Variant of Uncertain Significance.

Labcorp Genetics (formerly Invitae), Labcorp
Classification: Likely benign for Hypertrophic cardiomyopathy 10. Last evaluated: 2025-02-05. Review status: criteria provided, single submitter. Criteria: Invitae Variant Classification Sherloc (09022015). Collection method: clinical testing. Allele origin: germline.

All of Us Research Program, National Institutes of Health
Classification: Uncertain significance for Hypertrophic cardiomyopathy. Last evaluated: 2023-11-14. Review status: criteria provided, single submitter. Criteria: ACMG Guidelines, 2015. Collection method: clinical testing. Allele origin: germline. Inheritance: Autosomal dominant inheritance. Observed: 2 variant alleles, 2 heterozygotes.
Comment: This missense variant replaces leucine with valine at codon 100 of the MYL2 protein. Computational prediction is inconclusive regarding the impact of this variant on protein structure and function (internally defined REVEL score threshold 0.5 < inconclusive < 0.7, PMID: 27666373). Splice site prediction tools suggest that this variant may not impact RNA splicing. To our knowledge, functional studies have not been performed for this variant. This variant has not been reported in individuals affected with cardiovascular disorders in the literature. This variant has been identified in 7/251490 chromosomes in the general population by the Genome Aggregation Database (gnomAD). The available evidence is insufficient to determine the role of this variant in disease conclusively. Therefore, this variant is classified as a Variant of Uncertain Significance.

This study involves interpretation of variants in research participants for the purpose of population health screening. Participant phenotype was not available at the time of variant classification. Additional details can be found in publication PMID: 35346344, PMCID: PMC8962531